The following is an entry in ClinVar:

ClinVar aggregate classification (germline): Conflicting classifications of pathogenicity. Review status: criteria provided, conflicting classifications (1 of 4 stars). 2 submissions from 2 submitters: Uncertain significance (1); Likely benign (1). Last evaluated 2024-04-11.

Conditions:
NIK deficiency. Also called: Primary immunodeficiency with multifaceted aberrant lymphoid immunity. Identifiers: Orphanet 447731, MedGen C5680065, MONDO:0018642.

Allele frequency attached by ClinVar (database versions not stated): TOPMed below 0.00001; ExAC 0.00003.
gnomAD v4.1: 9 of 1,551,290 alleles (0.00058%); highest among the groups gnomAD compares: Non-Finnish European, 0.00078%; no homozygotes.

Submissions (2):

Labcorp Genetics (formerly Invitae), Labcorp
Classification: Likely benign for NIK deficiency. Last evaluated: 2024-04-11. Review status: criteria provided, single submitter. Criteria: Invitae Variant Classification Sherloc (09022015). Collection method: clinical testing. Allele origin: germline.

Center for Genomics, Ann and Robert H. Lurie Children's Hospital of Chicago
Classification: Uncertain significance. Last evaluated: 2021-03-30. Review status: criteria provided, single submitter. Criteria: ACMG Guidelines, 2015. Collection method: clinical testing. Allele origin: germline.
Comment: MAP3K14 NM_003954.4 p.Ser610Ser (c.1830C>T): This variant has not been reported in the literature and data from large control databases is insufficient for this variant. Evolutionary conservation and computational predictive tools for this variant are limited or unavailable. Of note, this variant is a silent variant and does not change the amino acid, reducing the probability that this variant is disease causing. In summary, data on this variant is insufficient for disease classification. Therefore, the clinical significance of this variant is uncertain.

NM_003954.5(MAP3K14):c.1830C>T (p.Ser610=)

Gene: MAP3K14 (mitogen-activated protein kinase kinase kinase 14; minus strand). Cytogenetic location: 17q21.31.
Variant type: single nucleotide variant.
Coding change: c.1830C>T on transcript NM_003954.5 (MANE Select); coding-DNA position 1830, C replaced by T.
Protein change: p.Ser610=; no amino-acid change (serine 610 retained).
Molecular consequence: synonymous variant.
Genome position (GRCh38, 1-based): chr17:45,270,555, G>A on the plus strand (C>T on the coding strand, the complement: MAP3K14 is on the minus strand). VCF-style: chr17-45270555-G-A. GRCh37 (hg19) VCF-style: chr17-43347922-G-A.
Other names: c.1830C>T, p.Ser610= (LRG_1222t1).
Identifiers: ClinVar variation 626135 (VCV000626135.5), dbSNP rs781573292, ClinGen allele CA8614000.
Genomic context (GRCh38, chr17:45,270,555, plus strand): 5'-GATGGCCTGGGCTGTGAGAGGGGCGCAGGAGGGTGGGATCTCCCTCACAGGCGGAGGCTC[G>A]CTGGCAATCTGGGGGGCAAAAGACAACAGGTGAGGCCTGCCTTCCCTCATTTCCTGATAC-3'
Protein context (NP_003945.2, residues 600-620): FRGPLCLKIA[Ser610=]EPPPVREIPP